The following is an entry in ClinVar:

NM_001001346.3(CLDN20):c.281G>A (p.Gly94Glu)

Genes: CLDN20 (claudin 20; plus strand), TFB1M (transcription factor B1, mitochondrial; minus strand). Cytogenetic location: 6q25.3.
Variant type: single nucleotide variant.
Coding change: c.281G>A on transcript NM_001001346.3 (MANE Select); coding-DNA position 281, G replaced by A.
Protein change: p.Gly94Glu; replaces glycine 94 with glutamic acid.
Molecular consequence: missense variant. On other transcripts: intron variant (3).
Genome position (GRCh38, 1-based): chr6:155,276,000, G>A. VCF-style: chr6-155276000-G-A. GRCh37 (hg19) VCF-style: chr6-155597134-G-A.
Other names: c.666+9158C>T (NM_001350501.2, NM_016020.4); c.381+9158C>T (NM_001350502.2); short protein forms G94E.
Identifiers: ClinVar variation 4086020 (VCV004086020.8).

ClinVar aggregate classification (germline): Benign (1 of 4 stars; one submission).

gnomAD v4.1: 22,454 of 1,614,132 alleles (1.4%); highest among the groups gnomAD compares: Non-Finnish European, 1.5%; 274 homozygotes.

Submission:

CeGaT Center for Human Genetics Tuebingen
Classification: Benign. Last evaluated: 2025-08-01. Review status: criteria provided, single submitter. Criteria: CeGaT Center For Human Genetics Tuebingen Variant Classification Criteria Version 2. Collection method: clinical testing. Allele origin: germline. Affected: yes. Observed: 1 variant allele.
Comment: CLDN20: BS1, BS2